The following is an entry in ClinVar:

ClinVar aggregate classification (germline): Uncertain significance. Review status: criteria provided, multiple submitters, no conflicts (2 of 4 stars). 3 submissions from 3 submitters: Uncertain significance (3). Last evaluated 2025-06-29.

Conditions:
Inborn genetic diseases. Identifiers: MedGen C0950123, MeSH D030342.

Allele frequency attached by ClinVar (database versions not stated): gnomAD 0.00003 and 0.00002; TOPMed 0.00004; ExAC 0.00006; gnomAD exomes 0.00008 and 0.00002.

Submissions (3):

Ambry Genetics
Classification: Uncertain significance for Inborn genetic diseases. Last evaluated: 2025-06-29. Review status: criteria provided, single submitter. Criteria: Ambry Variant Classification Scheme 2023. Collection method: clinical testing. Allele origin: germline.

Labcorp Genetics (formerly Invitae), Labcorp
Classification: Uncertain significance. Last evaluated: 2024-07-30. Review status: criteria provided, single submitter. Criteria: Invitae Variant Classification Sherloc (09022015). Collection method: clinical testing. Allele origin: germline.
Comment: This sequence change replaces methionine, which is neutral and non-polar, with threonine, which is neutral and polar, at codon 296 of the SLC26A3 protein (p.Met296Thr). This variant is present in population databases (rs779825227, gnomAD 0.03%), including at least one homozygous and/or hemizygous individual. This variant has not been reported in the literature in individuals affected with SLC26A3-related conditions. ClinVar contains an entry for this variant (Variation ID: 1525097). An algorithm developed to predict the effect of missense changes on protein structure and function (PolyPhen-2) suggests that this variant¬†is likely to be tolerated. In summary, the available evidence is currently insufficient to determine the role of this variant in disease. Therefore, it has been classified as a Variant of Uncertain Significance.

Breakthrough Genomics
Classification: Uncertain significance. Review status: criteria provided, single submitter. Criteria: ACMG Guidelines, 2015. Collection method: not provided. Allele origin: germline. Inheritance: Autosomal recessive inheritance. Affected: yes.

NM_000111.3(SLC26A3):c.887T>C (p.Met296Thr)

Gene: SLC26A3 (solute carrier family 26 member 3; minus strand). Cytogenetic location: 7q22.3.
Variant type: single nucleotide variant.
Coding change: c.887T>C on transcript NM_000111.3 (MANE Select); coding-DNA position 887, T replaced by C.
Protein change: p.Met296Thr; replaces methionine 296 with threonine.
Molecular consequence: missense variant.
Genome position (GRCh38, 1-based): chr7:107,787,358, A>G on the plus strand (T>C on the coding strand, the complement: SLC26A3 is on the minus strand). VCF-style: chr7-107787358-A-G. GRCh37 (hg19) VCF-style: chr7-107427803-A-G.
Other names: c.887T>C (NM_000111.2); short protein forms M296T.
Identifiers: ClinVar variation 1525097 (VCV001525097.7), dbSNP rs779825227, ClinGen allele CA4434008.
Genomic context (GRCh38, chr7:107,787,358, plus strand): 5'-GGACTTACAACATATAAACAGTAGAGTAGCTATGACAGAGTCTGAAAATGATCAATTACC[A>G]TAATGAATTCGATTGGAATGGGCACTGGAAGTTTGTCTTTGAAGCGCTGATTTATTTCTT-3'
Protein context (NP_000102.1, residues 286-306): LPVPIPIEFI[Met296Thr]TVIAAGVSYG